The following is an entry in ClinVar:

NM_001330360.2(POLA1):c.1120G>C (p.Glu374Gln)

Gene: POLA1 (DNA polymerase alpha 1, catalytic subunit; plus strand). Cytogenetic location: Xp22.11.
Variant type: single nucleotide variant.
Coding change: c.1120G>C on transcript NM_001330360.2 (MANE Select); coding-DNA position 1120, G replaced by C.
Protein change: p.Glu374Gln; replaces glutamic acid 374 with glutamine.
Molecular consequence: missense variant. On other transcripts: non-coding transcript variant (2).
Genome position (GRCh38, 1-based): chrX:24,723,187, G>C. VCF-style: chrX-24723187-G-C. GRCh37 (hg19) VCF-style: chrX-24741304-G-C.
Other names: c.1120G>C, p.Glu374Gln (NM_001378303.1); c.1102G>C, p.Glu368Gln (NM_016937.4); short protein forms E368Q, E374Q.
Identifiers: ClinVar variation 3655548 (VCV003655548.2).

ClinVar aggregate classification (germline): Uncertain significance (1 of 4 stars; one submission).

Submission:

Labcorp Genetics (formerly Invitae), Labcorp
Classification: Uncertain significance. Last evaluated: 2024-07-19. Review status: criteria provided, single submitter. Criteria: Invitae Variant Classification Sherloc (09022015). Collection method: clinical testing. Allele origin: germline.
Comment: This sequence change replaces glutamic acid, which is acidic and polar, with glutamine, which is neutral and polar, at codon 368 of the POLA1 protein (p.Glu368Gln). This variant is not present in population databases (gnomAD no frequency). This variant has not been reported in the literature in individuals affected with POLA1-related conditions. Advanced modeling of protein sequence and biophysical properties (such as structural, functional, and spatial information, amino acid conservation, physicochemical variation, residue mobility, and thermodynamic stability) has been performed at Invitae for this missense variant, however the output from this modeling did not meet the statistical confidence thresholds required to predict the impact of this variant on POLA1 protein function. In summary, the available evidence is currently insufficient to determine the role of this variant in disease. Therefore, it has been classified as a Variant of Uncertain Significance.